The following is an entry in ClinVar:

NM_001320752.2(STS):c.1106G>C (p.Gly369Ala)

Gene: STS (steroid sulfatase; plus strand). Cytogenetic location: Xp22.31.
Variant type: single nucleotide variant.
Coding change: c.1106G>C on transcript NM_001320752.2 (MANE Select); coding-DNA position 1106, G replaced by C.
Protein change: p.Gly369Ala; replaces glycine 369 with alanine.
Molecular consequence: missense variant.
Genome position (GRCh38, 1-based): chrX:7,325,363, G>C. VCF-style: chrX-7325363-G-C. GRCh37 (hg19) VCF-style: chrX-7243404-G-C.
Other names: c.1106G>C, p.Gly369Ala (NM_000351.7, NM_001320753.2, NM_001320754.2); c.1142G>C, p.Gly381Ala (NM_001320750.3, NM_001320751.2); short protein forms G381A, G369A.
Identifiers: ClinVar variation 2837602 (VCV002837602.3), dbSNP rs2518711338, ClinGen allele CA412022371.

ClinVar aggregate classification (germline): Uncertain significance (1 of 4 stars; one submission).

Allele frequency attached by ClinVar (database versions not stated): gnomAD exomes below 0.00001.

Submission:

Labcorp Genetics (formerly Invitae), Labcorp
Classification: Uncertain significance. Last evaluated: 2023-02-14. Review status: criteria provided, single submitter. Criteria: Invitae Variant Classification Sherloc (09022015). Collection method: clinical testing. Allele origin: germline.
Comment: This variant is not present in population databases (gnomAD no frequency). This variant has not been reported in the literature in individuals affected with STS-related conditions. An algorithm developed to predict the effect of missense changes on protein structure and function (PolyPhen-2) suggests that this variant is likely to be disruptive. In summary, the available evidence is currently insufficient to determine the role of this variant in disease. Therefore, it has been classified as a Variant of Uncertain Significance. This sequence change replaces glycine, which is neutral and non-polar, with alanine, which is neutral and non-polar, at codon 374 of the STS protein (p.Gly374Ala).